The following is an entry in ClinVar:

ClinVar aggregate classification (germline): Uncertain significance (1 of 4 stars; one submission).

Allele frequency attached by ClinVar (database versions not stated): TOPMed below 0.00001.

Submission:

Labcorp Genetics (formerly Invitae), Labcorp
Classification: Uncertain significance. Last evaluated: 2024-11-05. Review status: criteria provided, single submitter. Criteria: Invitae Variant Classification Sherloc (09022015). Collection method: clinical testing. Allele origin: germline.
Comment: This sequence change replaces serine with glycine at codon 541 of the KIZ protein (p.Ser541Gly). There is a small physicochemical difference between serine and glycine. This variant is not present in population databases (gnomAD no frequency). This variant has not been reported in the literature in individuals affected with KIZ-related conditions. ClinVar contains an entry for this variant (Variation ID: 1421357). Experimental studies and prediction algorithms are not available or were not evaluated, and the functional significance of this variant is currently unknown. In summary, the available evidence is currently insufficient to determine the role of this variant in disease. Therefore, it has been classified as a Variant of Uncertain Significance.

NM_018474.6(KIZ):c.1621A>G (p.Ser541Gly)

Genes: KIZ (kizuna centrosomal protein; plus strand), KIZ-AS1 (KIZ antisense RNA 1; minus strand). Cytogenetic location: 20p11.23.
Variant type: single nucleotide variant.
Coding change: c.1621A>G on transcript NM_018474.6 (MANE Select); coding-DNA position 1621, A replaced by G.
Protein change: p.Ser541Gly; replaces serine 541 with glycine.
Molecular consequence: missense variant.
Genome position (GRCh38, 1-based): chr20:21,215,591, A>G. VCF-style: chr20-21215591-A-G. GRCh37 (hg19) VCF-style: chr20-21196229-A-G.
Other names: c.1312A>G, p.Ser438Gly (NM_001163022.3); c.1222A>G, p.Ser408Gly (NM_001163023.3); c.1474A>G, p.Ser492Gly (NM_001276389.2); c.1567A>G, p.Ser523Gly (NM_001352434.2); c.1258A>G, p.Ser420Gly (NM_001352435.2); c.1279A>G, p.Ser427Gly (NM_001352436.2); short protein forms S408G, S492G, S427G, S523G, S420G, S541G, S438G.
Identifiers: ClinVar variation 1421357 (VCV001421357.6), dbSNP rs2036255159, ClinGen allele CA408491726.